The following is an entry in ClinVar:

ClinVar aggregate classification (germline): Likely benign. Review status: criteria provided, multiple submitters, no conflicts (2 of 4 stars). 2 submissions from 2 submitters: Likely benign (2). Last evaluated 2024-11-12.

Conditions:
Long QT syndrome (LQTS). Identifiers: MedGen C0023976, MeSH D008133, MONDO:0002442. Disease mechanism: loss of function. Inheritance: Various modes of inheritance.

Allele frequency attached by ClinVar (database versions not stated): gnomAD exomes below 0.00001; gnomAD 0.00001; TOPMed 0.00001.

Submissions (2):

Labcorp Genetics (formerly Invitae), Labcorp
Classification: Likely benign for Long QT syndrome. Last evaluated: 2024-11-12. Review status: criteria provided, single submitter. Criteria: Invitae Variant Classification Sherloc (09022015). Collection method: clinical testing. Allele origin: germline.

GeneDx
Classification: Likely benign. Last evaluated: 2018-03-22. Review status: criteria provided, single submitter. Criteria: GeneDx Variant Classification (06012015). Collection method: clinical testing. Allele origin: germline. Affected: yes.
Comment: This variant is considered likely benign or benign based on one or more of the following criteria: it is a conservative change, it occurs at a poorly conserved position in the protein, it is predicted to be benign by multiple in silico algorithms, and/or has population frequency not consistent with disease.

NM_000719.7(CACNA1C):c.917-20T>C

Gene: CACNA1C (calcium voltage-gated channel subunit alpha1 C; plus strand). Cytogenetic location: 12p13.33.
Variant type: single nucleotide variant.
Coding change: c.917-20T>C on transcript NM_000719.7 (MANE Select); 20 bases into the intron before coding-DNA position 917, T replaced by C.
Molecular consequence: intron variant.
Genome position (GRCh38, 1-based): chr12:2,493,170, T>C. VCF-style: chr12-2493170-T-C. GRCh37 (hg19) VCF-style: chr12-2602336-T-C.
Other names: c.917-20T>C (NM_001167624.3, NM_001167623.2, NM_001167625.2 and 18 more transcripts); c.917-29T>C (NM_001129844.2).
Identifiers: ClinVar variation 681042 (VCV000681042.9), dbSNP rs1228502476, ClinGen allele CA603039892.